The following is an entry in ClinVar:

NM_019023.5(PRMT7):c.1029C>T (p.Cys343=)

Gene: PRMT7 (protein arginine methyltransferase 7; plus strand). Cytogenetic location: 16q22.1.
Variant type: single nucleotide variant.
Coding change: c.1029C>T on transcript NM_019023.5 (MANE Select); coding-DNA position 1029, C replaced by T.
Protein change: p.Cys343=; no amino-acid change (cysteine 343 retained).
Molecular consequence: synonymous variant. On other transcripts: non-coding transcript variant (12).
Genome position (GRCh38, 1-based): chr16:68,345,776, C>T. VCF-style: chr16-68345776-C-T. GRCh37 (hg19) VCF-style: chr16-68379679-C-T.
Other names: c.879C>T, p.Cys293= (NM_001184824.4); c.1029C>T, p.Cys343= (NM_001290018.2, NM_001351143.3, NM_001351144.3 and 1 more transcripts); c.822C>T, p.Cys274= (NM_001378020.1); c.792C>T, p.Cys264= (NM_001378021.1, NM_001378022.1, NM_001378023.1).
Identifiers: ClinVar variation 737848 (VCV000737848.22), dbSNP rs193281700, ClinGen allele CA8127287.

ClinVar aggregate classification (germline): Benign/Likely benign. Review status: criteria provided, multiple submitters, no conflicts (2 of 4 stars). 2 submissions from 2 submitters: Benign (1); Likely benign (1). Last evaluated 2025-06-06.

Allele frequency attached by ClinVar (database versions not stated): ESP Exome Variant Server 0.00015; 1000 Genomes Project 30x 0.00062; gnomAD exomes 0.00075 and 0.00181; 1000 Genomes Project 0.00080; ExAC 0.00162; gnomAD 0.00174 and 0.00178; TOPMed 0.00009.
gnomAD v4.1: 1,353 of 1,614,122 alleles (0.084%); highest among the groups gnomAD compares: Non-Finnish European, 0.014%; 9 homozygotes.

Submissions (2):

Labcorp Genetics (formerly Invitae), Labcorp
Classification: Benign. Last evaluated: 2025-06-06. Review status: criteria provided, single submitter. Criteria: Invitae Variant Classification Sherloc (09022015). Collection method: clinical testing. Allele origin: germline.

CeGaT Center for Human Genetics Tuebingen
Classification: Likely benign. Last evaluated: 2025-01-01. Review status: criteria provided, single submitter. Criteria: CeGaT Center For Human Genetics Tuebingen Variant Classification Criteria Version 2. Collection method: clinical testing. Allele origin: germline. Affected: yes. Observed: 1 variant allele.
Comment: PRMT7: BP4, BP7